The following is an entry in ClinVar:

NM_000127.3(EXT1):c.962+3_962+6del

Gene: EXT1 (exostosin glycosyltransferase 1; minus strand). Cytogenetic location: 8q24.11.
Variant type: Microsatellite.
Coding change: c.962+3_962+6del on transcript NM_000127.3 (MANE Select); bases 3 to 6 of the intron after coding-DNA position 962, 4 bases deleted (AAGT; older notation c.962+3_962+6delAAGT).
Molecular consequence: splice donor variant.
Genome position (GRCh38, 1-based): chr8:118,110,079-118,110,082, ACTT deleted on the plus strand (AAGT on the coding strand, the reverse complement: EXT1 is on the minus strand); deleting any 4 consecutive bases within chr8:118,110,079-118,110,086 gives the same sequence; the c. name uses the placement nearest the transcript's 3' end. VCF-style (leftmost placement, unchanged base first): chr8-118110078-CACTT-C. GRCh37 (hg19) VCF-style: chr8-119122317-CACTT-C.
Identifiers: ClinVar variation 2503 (VCV000002503.8), dbSNP rs1586279285, ClinGen allele CA913184923.

ClinVar aggregate classification (germline): Pathogenic/Likely pathogenic. Review status: criteria provided, multiple submitters, no conflicts (2 of 4 stars). 5 submissions from 5 submitters: Pathogenic (2); Likely pathogenic (2). 1 of the submissions does not count toward it. Last evaluated 2024-06-24.

Conditions:
EXT1-related disorders.
Exostoses, multiple, type 1 (EXT1). Also called: EXOSTOSES, MULTIPLE, TYPE I; Hereditary Multiple Osteochondromatosis, Type I. Identifiers: MedGen CN263289, MONDO:0007585, OMIM 133700.
Chondrosarcoma. Also called: Chondrosarcoma, somatic. Identifiers: Orphanet 55880, MedGen C0008479, MONDO:0008977, OMIM 215300, HP:0006765.
Multiple congenital exostosis (EXT). Also called: Multiple osteochondromas; Hereditary multiple osteochondromas; MULTIPLE CARTILAGINOUS EXOSTOSES; Hereditary multiple exostoses; Hereditary multiple exostosis; Multiple exostoses. Identifiers: Orphanet 321, MedGen C0015306, MONDO:0005508, HP:0002762.

Submissions (5):

Labcorp Genetics (formerly Invitae), Labcorp
Classification: Pathogenic for Multiple congenital exostosis. Last evaluated: 2024-06-24. Review status: criteria provided, single submitter. Criteria: Invitae Variant Classification Sherloc (09022015). Collection method: clinical testing. Allele origin: germline.
Comment: This sequence change falls in intron 1 of the EXT1 gene. It does not directly change the encoded amino acid sequence of the EXT1 protein. RNA analysis indicates that this variant induces altered splicing and may result in an absent or disrupted protein product. This variant is not present in population databases (gnomAD no frequency). This variant has been observed in individual(s) with hereditary multiple osteochondromas (PMID: 19344451; Invitae). This variant is also known as c.962+1_962+4del4. ClinVar contains an entry for this variant (Variation ID: 2503). Variants that disrupt the consensus splice site are a relatively common cause of aberrant splicing (PMID: 17576681, 9536098). Studies have shown that this variant results in skipping of exon 2 and introduces a premature termination codon (PMID: 19344451). The resulting mRNA is expected to undergo nonsense-mediated decay. For these reasons, this variant has been classified as Pathogenic.

Mendelics
Classification: Pathogenic for Exostoses, multiple, type 1. Last evaluated: 2022-05-04. Review status: criteria provided, single submitter. Criteria: Mendelics Assertion Criteria 2019. Collection method: clinical testing. Allele origin: germline.

Blueprint Genetics
Classification: Likely pathogenic for EXT1-related disorders. Last evaluated: 2021-02-19. Review status: criteria provided, single submitter. Criteria: ACMG Guidelines, 2015. Collection method: clinical testing. Allele origin: germline. Affected: yes. Observed: 1 variant allele.

Kasturba Medical College, Manipal, Kasturba Medical College, Manipal, Manipal Academy of Higher Education, Manipal, India
Classification: Likely pathogenic for Chondrosarcoma. Review status: criteria provided, single submitter. Criteria: ACMG Guidelines, 2015. Collection method: clinical testing. Allele origin: unknown. Inheritance: Autosomal dominant inheritance. Affected: yes. Observed: 1 heterozygote.

OMIM
Classification: Pathogenic for EXOSTOSES, MULTIPLE, TYPE I. Last evaluated: 2009-05-01. Review status: no assertion criteria provided. Collection method: literature only. Allele origin: germline. Not counted in ClinVar's aggregate classification.

Literature cited by the submitters: PubMed 19344451 (cited by Labcorp Genetics (formerly Invitae), Labcorp and OMIM); PubMed 17576681 (cited by Labcorp Genetics (formerly Invitae), Labcorp); PubMed 9536098 (cited by Labcorp Genetics (formerly Invitae), Labcorp).